The following is an entry in ClinVar:

ClinVar aggregate classification (germline): Benign. Review status: criteria provided, single submitter (1 of 4 stars). 2 submissions from 2 submitters: Benign (1). 1 of the submissions does not count toward it. Last evaluated 2017-04-27.

Conditions:
Immunodeficiency 35 (IMD35). Also called: HIES WITH ATYPICAL MYCOBACTERIOSIS, AUTOSOMAL RECESSIVE; HYPER-IgE SYNDROME WITH ATYPICAL MYCOBACTERIOSIS, AUTOSOMAL RECESSIVE; Susceptibility to infection due to TYK2 deficiency; TYK2 DEFICIENCY. Identifiers: Orphanet 331226, MedGen C1969086, MONDO:0012682, OMIM 611521.
Virus-induced diabetes. Identifiers: MedGen CN258239.

Allele frequency attached by ClinVar (database versions not stated): TOPMed 0.00206; gnomAD 0.00501 and 0.00529; 1000 Genomes Project 30x 0.00515; 1000 Genomes Project 0.00659.

Submissions (2):

Illumina Laboratory Services, Illumina
Classification: Benign for Immunodeficiency 35. Last evaluated: 2017-04-27. Review status: criteria provided, single submitter. Criteria: ICSL Variant Classification Criteria 13 December 2019. Collection method: clinical testing. Allele origin: germline.
Comment: This variant was observed as part of a predisposition screen in an ostensibly healthy population. A literature search was performed for the gene, cDNA change, and amino acid change (where applicable). No publications were found based on this search. Allele frequency data from public databases was too high to be consistent with this variant causing disease. Therefore, this variant is classified as benign.

Division of Host Defense, Kyushu University
Classification: Uncertain significance for Virus-induced diabetes. Review status: no assertion criteria provided. Collection method: reference population. Allele origin: inherited. Not counted in ClinVar's aggregate classification.

Literature cited by the submitters: PubMed 26288847 (cited by Division of Host Defense, Kyushu University).

NM_003331.5(TYK2):c.-317G>A

Gene: TYK2 (tyrosine kinase 2; minus strand). Cytogenetic location: 19p13.2.
Variant type: single nucleotide variant.
Coding change: c.-317G>A on transcript NM_003331.5 (MANE Select); 317 bases upstream of the start codon, G replaced by A.
Molecular consequence: 5 prime UTR variant.
Genome position (GRCh38, 1-based): chr19:10,380,511, C>T on the plus strand (G>A on the coding strand, the complement: TYK2 is on the minus strand). VCF-style: chr19-10380511-C-T. GRCh37 (hg19) VCF-style: chr19-10491187-C-T.
Identifiers: ClinVar variation 440730 (VCV000440730.6), dbSNP rs17000728, ClinGen allele CA305221668.